The following is an entry in ClinVar:

ClinVar aggregate classification (germline): Uncertain significance. Review status: criteria provided, multiple submitters, no conflicts (2 of 4 stars). 2 submissions from 2 submitters: Uncertain significance (2). Last evaluated 2024-06-09.

Conditions:
Joubert syndrome. Also called: CEREBELLOPARENCHYMAL DISORDER IV; JOUBERT-BOLTSHAUSER SYNDROME; Familial aplasia of the vermis. Identifiers: Orphanet 475, MedGen C5979921, MONDO:0018772.
Meckel-Gruber syndrome. Also called: DYSENCEPHALIA SPLANCHNOCYSTICA; GRUBER SYNDROME; Dysencephalia splachnocystica. Identifiers: Orphanet 564, MedGen C0265215, MONDO:0018921.
Meckel syndrome, type 5 (MKS5). Identifiers: Orphanet 564, MedGen C1969052, MONDO:0012695, OMIM 611561.
Joubert syndrome 7 (JBTS7). Identifiers: Orphanet 220497, MedGen C1969053, MONDO:0012694, OMIM 611560.
COACH syndrome 3. Identifiers: MedGen C5436841, MONDO:0030862, OMIM 619113.

Allele frequency attached by ClinVar (database versions not stated): gnomAD exomes 0.00001.
gnomAD v4.1: 7 of 1,575,222 alleles (0.00044%); highest among the groups gnomAD compares: South Asian, 0.0081%; no homozygotes.

Submissions (2):

Fulgent Genetics
Classification: Uncertain significance for Joubert syndrome 7; Meckel syndrome, type 5; COACH syndrome 3. Last evaluated: 2024-06-09. Review status: criteria provided, single submitter. Criteria: ACMG Guidelines, 2015. Collection method: clinical testing. Allele origin: germline.

Labcorp Genetics (formerly Invitae), Labcorp
Classification: Uncertain significance for Joubert syndrome; Meckel-Gruber syndrome. Last evaluated: 2024-03-11. Review status: criteria provided, single submitter. Criteria: Invitae Variant Classification Sherloc (09022015). Collection method: clinical testing. Allele origin: germline.
Comment: This sequence change replaces glutamine, which is neutral and polar, with glutamic acid, which is acidic and polar, at codon 472 of the RPGRIP1L protein (p.Gln472Glu). This variant is present in population databases (no rsID available, gnomAD 0.008%). This variant has not been reported in the literature in individuals affected with RPGRIP1L-related conditions. ClinVar contains an entry for this variant (Variation ID: 1956591). Advanced modeling of protein sequence and biophysical properties (such as structural, functional, and spatial information, amino acid conservation, physicochemical variation, residue mobility, and thermodynamic stability) performed at Invitae indicates that this missense variant is not expected to disrupt RPGRIP1L protein function with a negative predictive value of 80%. In summary, the available evidence is currently insufficient to determine the role of this variant in disease. Therefore, it has been classified as a Variant of Uncertain Significance.

NM_015272.5(RPGRIP1L):c.1414C>G (p.Gln472Glu)

Gene: RPGRIP1L (RPGRIP1 like; minus strand). Cytogenetic location: 16q12.2.
Variant type: single nucleotide variant.
Coding change: c.1414C>G on transcript NM_015272.5 (MANE Select); coding-DNA position 1414, C replaced by G.
Protein change: p.Gln472Glu; replaces glutamine 472 with glutamic acid.
Molecular consequence: missense variant.
Genome position (GRCh38, 1-based): chr16:53,657,620, G>C on the plus strand (C>G on the coding strand, the complement: RPGRIP1L is on the minus strand). VCF-style: chr16-53657620-G-C. GRCh37 (hg19) VCF-style: chr16-53691532-G-C.
Other names: c.1414C>G, p.Gln472Glu (NM_001127897.4, NM_001308334.3, NM_001330538.2); short protein forms Q472E.
Identifiers: ClinVar variation 1956591 (VCV001956591.6), dbSNP rs1415430987, ClinGen allele CA395919233.
Genomic context (GRCh38, chr16:53,657,620, plus strand): 5'-CTAGATCTTTATTAATTTCACTATCTACTTTCACTAAAAAGGAAAGGTCTCCATTTTTTT[G>C]TTCTTTTTGAGCCTAAAATAAAAAACATGTTTTATGACTGAAACAAAAATTTCTAAGATG-3'
Protein context (NP_056087.2, residues 462-482): ALLLIKAQKE[Gln472Glu]KNGDLSFLVK